The following is an entry in ClinVar:

NM_003470.3(USP7):c.746G>A (p.Gly249Glu)

Gene: USP7 (ubiquitin specific peptidase 7; minus strand). Cytogenetic location: 16p13.2.
Variant type: single nucleotide variant.
Coding change: c.746G>A on transcript NM_003470.3 (MANE Select); coding-DNA position 746, G replaced by A.
Protein change: p.Gly249Glu; replaces glycine 249 with glutamic acid.
Molecular consequence: missense variant. On other transcripts: non-coding transcript variant (1).
Genome position (GRCh38, 1-based): chr16:8,917,131, C>T on the plus strand (G>A on the coding strand, the complement: USP7 is on the minus strand). VCF-style: chr16-8917131-C-T. GRCh37 (hg19) VCF-style: chr16-9010988-C-T.
Other names: c.698G>A, p.Gly233Glu (NM_001286457.2); c.449G>A, p.Gly150Glu (NM_001286458.2); c.572G>A, p.Gly191Glu (NM_001321858.2); short protein forms G150E, G191E, G233E, G249E.
Identifiers: ClinVar variation 2662294 (VCV002662294.1), dbSNP rs2549242591, ClinGen allele CA394704102.

ClinVar aggregate classification (germline): Uncertain significance (1 of 4 stars; one submission).

Submission:

GeneDx
Classification: Uncertain significance. Last evaluated: 2023-04-16. Review status: criteria provided, single submitter. Criteria: GeneDx Variant Classification Process June 2021. Collection method: clinical testing. Allele origin: germline. Affected: yes.
Comment: Not observed at significant frequency in large population cohorts (gnomAD); In silico analysis supports that this missense variant does not alter protein structure/function; Has not been previously published as pathogenic or benign to our knowledge